The following is an entry in ClinVar:

NM_003784.4(SERPINB7):c.650_653del (p.Ser217fs)

Gene: SERPINB7 (serpin family B member 7; plus strand). Cytogenetic location: 18q21.33.
Variant type: Deletion.
Coding change: c.650_653del on transcript NM_003784.4 (MANE Select); coding-DNA positions 650 to 653, 4 bases deleted (CTGT; older notation c.650_653delCTGT).
Protein change: p.Ser217fs; shifts the reading frame from serine 217.
Molecular consequence: frameshift variant.
Genome position (GRCh38, 1-based): chr18:63,800,918-63,800,921, CTGT deleted; deleting any 4 consecutive bases within chr18:63,800,915-63,800,921 gives the same sequence; the c. name uses the placement nearest the transcript's 3' end. VCF-style (leftmost placement, unchanged base first): chr18-63800914-TTGTC-T. GRCh37 (hg19) VCF-style: chr18-61468148-TTGTC-T.
Other names: c.650_653del, p.Ser217fs (NM_001040147.3, NM_001261830.2); c.599_602del, p.Ser200fs (NM_001261831.2); short protein forms S200fs, S217fs.
Identifiers: ClinVar variation 1333198 (VCV001333198.6), dbSNP rs534014297, ClinGen allele CA8989499.

ClinVar aggregate classification (germline): Pathogenic. Review status: criteria provided, multiple submitters, no conflicts (2 of 4 stars). 4 submissions from 4 submitters: Pathogenic (4). Last evaluated 2024-06-19.

Conditions:
SERPINB7-related disorder. Also called: SERPINB7-related condition.
Palmoplantar keratoderma, Nagashima type. Identifiers: Orphanet 140966, MedGen C3810072, MONDO:0014272, OMIM 615598.

Submissions (4):

Blueprint Genetics
Classification: Pathogenic for SERPINB7-related disorders. Last evaluated: 2024-06-19. Review status: criteria provided, single submitter. Criteria: ACMG Guidelines, 2015. Collection method: clinical testing. Allele origin: germline. Affected: yes. Observed: 5 variant alleles.

Labcorp Genetics (formerly Invitae), Labcorp
Classification: Pathogenic. Last evaluated: 2023-09-10. Review status: criteria provided, single submitter. Criteria: Invitae Variant Classification Sherloc (09022015). Collection method: clinical testing. Allele origin: germline.
Comment: For these reasons, this variant has been classified as Pathogenic. ClinVar contains an entry for this variant (Variation ID: 1333198). This premature translational stop signal has been observed in individual(s) with palmoplantar keratoderma, Nagashima type (PMID: 24514002, 33362511). This variant is present in population databases (rs534014297, gnomAD 0.08%). This sequence change creates a premature translational stop signal (p.Ser217Leufs*7) in the SERPINB7 gene. It is expected to result in an absent or disrupted protein product. Loss-of-function variants in SERPINB7 are known to be pathogenic (PMID: 27569382, 28439958, 30256384).

3billion
Classification: Pathogenic for Palmoplantar keratoderma, Nagashima type. Last evaluated: 2022-01-03. Review status: criteria provided, single submitter. Criteria: ACMG Guidelines, 2015. Collection method: clinical testing. Allele origin: germline. Affected: yes. Observed: 1 heterozygote.
Comment: The variant has been reported to be associated with SERPINB7 related disorder (PMID:24514002) .Frameshift: predicted to result in a loss or disruption of normal protein function through nonsense-mediated decay (NMD) or protein truncation. Multiple pathogenic variants are reported downstream of the variant (PVS1_VS). It is observed at an extremely low frequency in the gnomAD v2.1.1 dataset (total allele frequency: 0.000071, PM2_M). Therefore, this variant is classified as pathogenic according to the recommendation of ACMG/AMP guideline.

Juno Genomics, Hangzhou Juno Genomics, Inc
Classification: Pathogenic for Palmoplantar keratoderma, Nagashima type. Review status: criteria provided, single submitter. Criteria: ACMG Guidelines, 2015. Collection method: clinical testing. Allele origin: germline. Affected: yes.
Comment: Absent from controls (or at extremely low frequency if recessive) in Genome Aggregation Database.;Null variant in a gene where loss of function (LOF) is a known mechanism of disease.;For recessive disorders, detected in trans with a pathogenic variant.;Patient's phenotype or family history is highly specific for a disease with a single genetic etiology.

Literature cited by the submitters: PubMed 24514002 (cited by Labcorp Genetics (formerly Invitae), Labcorp and 3billion); PubMed 33362511 (cited by Labcorp Genetics (formerly Invitae), Labcorp); PubMed 27569382 (cited by Labcorp Genetics (formerly Invitae), Labcorp); PubMed 28439958 (cited by Labcorp Genetics (formerly Invitae), Labcorp); PubMed 30256384 (cited by Labcorp Genetics (formerly Invitae), Labcorp).